The following is an entry in ClinVar:

ClinVar aggregate classification (germline): Uncertain significance. Review status: criteria provided, multiple submitters, no conflicts (2 of 4 stars). 2 submissions from 2 submitters: Uncertain significance (2). Last evaluated 2025-06-06.

Conditions:
Inborn genetic diseases. Identifiers: MedGen C0950123, MeSH D030342.
PKD1-related disorder. Also called: PKD1-related condition.

gnomAD v4.1: 5 of 1,610,420 alleles (0.00031%); highest among the groups gnomAD compares: South Asian, 0.0044%; no homozygotes.

Submissions (2):

Ambry Genetics
Classification: Uncertain significance for Inborn genetic diseases. Last evaluated: 2025-06-06. Review status: criteria provided, single submitter. Criteria: Ambry Variant Classification Scheme 2023. Collection method: clinical testing. Allele origin: germline.

PreventionGenetics, part of Exact Sciences
Classification: Uncertain significance for PKD1-related condition. Last evaluated: 2025-03-02. Review status: criteria provided, single submitter. Criteria: ACMG Guidelines, 2015. Collection method: clinical testing. Allele origin: germline.
Comment: The PKD1 c.6758C>T variant is predicted to result in the amino acid substitution p.Pro2253Leu. To our knowledge, this variant has not been reported in the literature. This variant is reported in 0.0065% of alleles in individuals of South Asian descent in gnomAD. At this time, the clinical significance of this variant is uncertain due to the absence of conclusive functional and genetic evidence.

NM_001009944.3(PKD1):c.6758C>T (p.Pro2253Leu)

Gene: PKD1 (polycystin 1, transient receptor potential channel interacting; minus strand). Cytogenetic location: 16p13.3.
Variant type: single nucleotide variant.
Coding change: c.6758C>T on transcript NM_001009944.3 (MANE Select); coding-DNA position 6758, C replaced by T.
Protein change: p.Pro2253Leu; replaces proline 2253 with leucine.
Molecular consequence: missense variant.
Genome position (GRCh38, 1-based): chr16:2,108,409, G>A on the plus strand (C>T on the coding strand, the complement: PKD1 is on the minus strand). VCF-style: chr16-2108409-G-A. GRCh37 (hg19) VCF-style: chr16-2158410-G-A.
Other names: c.6758C>T, p.Pro2253Leu (NM_000296.4); short protein forms P2253L.
Identifiers: ClinVar variation 3932879 (VCV003932879.2).